The following is an entry in ClinVar:

NM_013432.5(TONSL):c.1735C>T (p.Arg579Cys)

Genes: TONSL (tonsoku like, DNA repair protein; minus strand), TONSL-AS1 (TONSL antisense RNA 1; plus strand). Cytogenetic location: 8q24.3.
Variant type: single nucleotide variant.
Coding change: c.1735C>T on transcript NM_013432.5 (MANE Select); coding-DNA position 1735, C replaced by T.
Protein change: p.Arg579Cys; replaces arginine 579 with cysteine.
Molecular consequence: missense variant. On other transcripts: non-coding transcript variant (1).
Genome position (GRCh38, 1-based): chr8:144,436,912, G>A on the plus strand (C>T on the coding strand, the complement: TONSL is on the minus strand). VCF-style: chr8-144436912-G-A. GRCh37 (hg19) VCF-style: chr8-145662295-G-A.
Other names: short protein forms R579C.
Identifiers: ClinVar variation 1037653 (VCV001037653.4), dbSNP rs201525526, ClinGen allele CA4943060.

ClinVar aggregate classification (germline): Uncertain significance. Review status: criteria provided, multiple submitters, no conflicts (2 of 4 stars). 3 submissions from 3 submitters: Uncertain significance (3). Last evaluated 2024-10-31.

Allele frequency attached by ClinVar (database versions not stated): ExAC 0.00010; gnomAD 0.00011 and 0.00014; gnomAD exomes 0.00012 and 0.00017; TOPMed 0.00015; 1000 Genomes Project 0.00040; 1000 Genomes Project 30x 0.00047.
gnomAD v4.1: 204 of 1,608,756 alleles (0.013%); highest among the groups gnomAD compares: Middle Eastern, 0.17%; no homozygotes.

Submissions (3):

Blueprint Genetics
Classification: Uncertain significance. Last evaluated: 2024-10-31. Review status: criteria provided, single submitter. Criteria: ACMG Guidelines, 2015. Collection method: clinical testing. Allele origin: germline.

Labcorp Genetics (formerly Invitae), Labcorp
Classification: Uncertain significance. Last evaluated: 2022-08-19. Review status: criteria provided, single submitter. Criteria: Invitae Variant Classification Sherloc (09022015). Collection method: clinical testing. Allele origin: germline.
Comment: This sequence change replaces arginine, which is basic and polar, with cysteine, which is neutral and slightly polar, at codon 579 of the TONSL protein (p.Arg579Cys). This variant is present in population databases (rs201525526, gnomAD 0.07%). This variant has not been reported in the literature in individuals affected with TONSL-related conditions. ClinVar contains an entry for this variant (Variation ID: 1037653). Algorithms developed to predict the effect of missense changes on protein structure and function (SIFT, PolyPhen-2, Align-GVGD) all suggest that this variant is likely to be disruptive. In summary, the available evidence is currently insufficient to determine the role of this variant in disease. Therefore, it has been classified as a Variant of Uncertain Significance.

Breakthrough Genomics
Classification: Uncertain significance. Review status: criteria provided, single submitter. Criteria: ACMG Guidelines, 2015. Collection method: not provided. Allele origin: germline. Inheritance: Autosomal recessive inheritance. Affected: yes.